The following is an entry in ClinVar:

ClinVar aggregate classification (germline): Uncertain significance (1 of 4 stars; one submission).

Submission:

Labcorp Genetics (formerly Invitae), Labcorp
Classification: Uncertain significance. Last evaluated: 2023-01-06. Review status: criteria provided, single submitter. Criteria: Invitae Variant Classification Sherloc (09022015). Collection method: clinical testing. Allele origin: unknown.
Comment: This variant has not been reported in the literature in individuals affected with EGF-related conditions. This variant is a gross deletion of the genomic region encompassing exon(s) 22 of the EGF gene. This deletion is out-of-frame, and is expected to create a premature translational stop signal and result in an absent or disrupted protein product. However, the current clinical and genetic evidence is not sufficient to establish whether loss-of-function variants in EGF cause disease. In summary, the available evidence is currently insufficient to determine the role of this variant in disease. Therefore, it has been classified as a Variant of Uncertain Significance.

NC_000004.11:g.(?_110925641)_(110925798_?)del

Gene: EGF (epidermal growth factor; plus strand). Cytogenetic location: 4q25.
Variant type: Deletion.
Identifiers: ClinVar variation 3246726 (VCV003246726.1).